The following is an entry in ClinVar:

NM_032043.3(BRIP1):c.1867T>A (p.Phe623Ile)

Gene: BRIP1 (BRCA1 interacting DNA helicase 1; minus strand). Cytogenetic location: 17q23.2.
Variant type: single nucleotide variant.
Coding change: c.1867T>A on transcript NM_032043.3 (MANE Select); coding-DNA position 1867, T replaced by A.
Protein change: p.Phe623Ile; replaces phenylalanine 623 with isoleucine.
Molecular consequence: missense variant.
Genome position (GRCh38, 1-based): chr17:61,780,329, A>T on the plus strand (T>A on the coding strand, the complement: BRIP1 is on the minus strand). VCF-style: chr17-61780329-A-T. GRCh37 (hg19) VCF-style: chr17-59857690-A-T.
Other names: short protein forms F623I.
Identifiers: ClinVar variation 220248 (VCV000220248.11), dbSNP rs864622438, ClinGen allele CA350375.

ClinVar aggregate classification (germline): Uncertain significance. Review status: criteria provided, multiple submitters, no conflicts (2 of 4 stars). 2 submissions from 2 submitters: Uncertain significance (2). Last evaluated 2024-04-19.

Conditions:
Hereditary cancer-predisposing syndrome. Also called: Tumor predisposition; Hereditary neoplastic syndrome; Neoplastic Syndromes, Hereditary; Hereditary Cancer Syndrome. Identifiers: Orphanet 140162, MedGen C0027672, MeSH D009386, MONDO:0015356.
Fanconi anemia complementation group J. Also called: BRIP1-Related Fanconi Anemia. Identifiers: Orphanet 84, MedGen C1836860, MONDO:0012187, OMIM 609054.
Familial cancer of breast. Also called: hereditary breast carcinoma; Hereditary breast cancer; BREAST CANCER, FAMILIAL. Identifiers: Orphanet 227535, MedGen C0346153, MONDO:0016419, OMIM 114480. Disease mechanism: loss of function.

Submissions (2):

Ambry Genetics
Classification: Uncertain significance for Hereditary cancer-predisposing syndrome. Last evaluated: 2024-04-19. Review status: criteria provided, single submitter. Criteria: Ambry Variant Classification Scheme 2023. Collection method: clinical testing. Allele origin: germline.
Comment: The p.F623I variant (also known as c.1867T>A), located in coding exon 12 of the BRIP1 gene, results from a T to A substitution at nucleotide position 1867. The phenylalanine at codon 623 is replaced by isoleucine, an amino acid with highly similar properties. This amino acid position is conserved. In addition, this alteration is predicted to be deleterious by in silico analysis. Based on the available evidence, the clinical significance of this variant remains unclear.

Labcorp Genetics (formerly Invitae), Labcorp
Classification: Uncertain significance for Familial cancer of breast; Fanconi anemia complementation group J. Last evaluated: 2023-07-13. Review status: criteria provided, single submitter. Criteria: Invitae Variant Classification Sherloc (09022015). Collection method: clinical testing. Allele origin: germline.
Comment: In summary, the available evidence is currently insufficient to determine the role of this variant in disease. Therefore, it has been classified as a Variant of Uncertain Significance. This sequence change replaces phenylalanine, which is neutral and non-polar, with isoleucine, which is neutral and non-polar, at codon 623 of the BRIP1 protein (p.Phe623Ile). This variant is not present in population databases (gnomAD no frequency). This variant has not been reported in the literature in individuals affected with BRIP1-related conditions. ClinVar contains an entry for this variant (Variation ID: 220248). Advanced modeling of protein sequence and biophysical properties (such as structural, functional, and spatial information, amino acid conservation, physicochemical variation, residue mobility, and thermodynamic stability) performed at Invitae indicates that this missense variant is expected to disrupt BRIP1 protein function.